The following is an entry in ClinVar:

ClinVar aggregate classification (germline): Uncertain significance (1 of 4 stars; one submission).

gnomAD v4.1: 2 of 1,610,636 alleles (0.00012%); highest among the groups gnomAD compares: African/African-American, 0.0013%; no homozygotes.

Submission:

Labcorp Genetics (formerly Invitae), Labcorp
Classification: Uncertain significance. Last evaluated: 2021-10-20. Review status: criteria provided, single submitter. Criteria: Invitae Variant Classification Sherloc (09022015). Collection method: clinical testing. Allele origin: germline.
Comment: Algorithms developed to predict the effect of missense changes on protein structure and function are either unavailable or do not agree on the potential impact of this missense change (SIFT: "Deleterious"; PolyPhen-2: "Benign"; Align-GVGD: "Class C0"). Algorithms developed to predict the effect of sequence changes on RNA splicing suggest that this variant may disrupt the consensus splice site. In summary, the available evidence is currently insufficient to determine the role of this variant in disease. Therefore, it has been classified as a Variant of Uncertain Significance. This sequence change replaces valine with leucine at codon 719 of the LONP1 protein (p.Val719Leu). The valine residue is moderately conserved and there is a small physicochemical difference between valine and leucine. This variant is not present in population databases (ExAC no frequency). This variant has not been reported in the literature in individuals affected with LONP1-related conditions.

NM_004793.4(LONP1):c.2155G>C (p.Val719Leu)

Gene: LONP1 (lon peptidase 1, mitochondrial; minus strand). Cytogenetic location: 19p13.3.
Variant type: single nucleotide variant.
Coding change: c.2155G>C on transcript NM_004793.4 (MANE Select); coding-DNA position 2155, G replaced by C.
Protein change: p.Val719Leu; replaces valine 719 with leucine.
Molecular consequence: missense variant. On other transcripts: non-coding transcript variant (1).
Genome position (GRCh38, 1-based): chr19:5,694,552, C>G on the plus strand (G>C on the coding strand, the complement: LONP1 is on the minus strand). VCF-style: chr19-5694552-C-G. GRCh37 (hg19) VCF-style: chr19-5694563-C-G.
Other names: c.1963G>C, p.Val655Leu (NM_001276479.2); c.1567G>C, p.Val523Leu (NM_001276480.1); short protein forms V719L, V523L, V655L.
Identifiers: ClinVar variation 1388250 (VCV001388250.6), dbSNP rs750942603, ClinGen allele CA403527756.
Genomic context (GRCh38, chr19:5,694,552, plus strand): 5'-GCGTCACCTCCACGGACTCGGCCTCGCCGCTGACAATCTTGTAGGCCGATTTCCGTAACA[C>G]CTGGGCGGTCAGGGCAACACAATGGGCACGGGAAGGTGGGGTGACAGGTGCGGGGTGGTG-3'
Protein context (NP_004784.2, residues 709-729): VRNLQKQVEK[Val719Leu]LRKSAYKIVS